The following is an entry in ClinVar:

NM_001351132.2(PEX5):c.242C>T (p.Thr81Ile)

Gene: PEX5 (peroxisomal biogenesis factor 5; plus strand). Cytogenetic location: 12p13.31.
Variant type: single nucleotide variant.
Coding change: c.242C>T on transcript NM_001351132.2 (MANE Select); coding-DNA position 242, C replaced by T.
Protein change: p.Thr81Ile; replaces threonine 81 with isoleucine.
Molecular consequence: missense variant.
Genome position (GRCh38, 1-based): chr12:7,191,284, C>T. VCF-style: chr12-7191284-C-T. GRCh37 (hg19) VCF-style: chr12-7343880-C-T.
Other names: c.242C>T, p.Thr81Ile (NM_000319.5, NM_001131024.2, NM_001131025.2 and 19 more transcripts); c.287C>T, p.Thr96Ile (NM_001131023.2, NM_001351135.3, NM_001351138.2); short protein forms T81I, T96I.
Identifiers: ClinVar variation 2047951 (VCV002047951.1), dbSNP rs772743765, ClinGen allele CA6426071.

ClinVar aggregate classification (germline): Uncertain significance (1 of 4 stars; one submission).

Conditions:
Peroxisome biogenesis disorder 2B (PBD2B). Identifiers: Orphanet 44, MedGen C3550234, MONDO:0008736, OMIM 202370.

Allele frequency attached by ClinVar (database versions not stated): TOPMed below 0.00001; ExAC 0.00001.

Submission:

Labcorp Genetics (formerly Invitae), Labcorp
Classification: Uncertain significance for Peroxisome biogenesis disorder 2B. Last evaluated: 2022-08-16. Review status: criteria provided, single submitter. Criteria: Invitae Variant Classification Sherloc (09022015). Collection method: clinical testing. Allele origin: germline.
Comment: This sequence change replaces threonine, which is neutral and polar, with isoleucine, which is neutral and non-polar, at codon 81 of the PEX5 protein (p.Thr81Ile). This variant is present in population databases (rs772743765, gnomAD 0.006%). This variant has not been reported in the literature in individuals affected with PEX5-related conditions. Algorithms developed to predict the effect of missense changes on protein structure and function are either unavailable or do not agree on the potential impact of this missense change (SIFT: "Tolerated"; PolyPhen-2: "Possibly Damaging"; Align-GVGD: "Class C0"). Algorithms developed to predict the effect of sequence changes on RNA splicing suggest that this variant may create or strengthen a splice site. In summary, the available evidence is currently insufficient to determine the role of this variant in disease. Therefore, it has been classified as a Variant of Uncertain Significance.